The following is an entry in ClinVar:

ClinVar aggregate classification (germline): Uncertain significance (1 of 4 stars; one submission).

Submission:

Labcorp Genetics (formerly Invitae), Labcorp
Classification: Uncertain significance. Last evaluated: 2024-01-24. Review status: criteria provided, single submitter. Criteria: Invitae Variant Classification Sherloc (09022015). Collection method: clinical testing. Allele origin: germline.
Comment: This sequence change replaces methionine, which is neutral and non-polar, with threonine, which is neutral and polar, at codon 242 of the IARS protein (p.Met242Thr). This variant is not present in population databases (gnomAD no frequency). This variant has not been reported in the literature in individuals affected with IARS-related conditions. ClinVar contains an entry for this variant (Variation ID: 2103617). An algorithm developed to predict the effect of missense changes on protein structure and function (PolyPhen-2) suggests that this variant is likely to be tolerated. In summary, the available evidence is currently insufficient to determine the role of this variant in disease. Therefore, it has been classified as a Variant of Uncertain Significance.

NM_002161.6(IARS1):c.725T>C (p.Met242Thr)

Gene: IARS1 (isoleucyl-tRNA synthetase 1; minus strand). Cytogenetic location: 9q22.31.
Variant type: single nucleotide variant.
Coding change: c.725T>C on transcript NM_002161.6 (MANE Select); coding-DNA position 725, T replaced by C.
Protein change: p.Met242Thr; replaces methionine 242 with threonine.
Molecular consequence: missense variant. On other transcripts: non-coding transcript variant (1).
Genome position (GRCh38, 1-based): chr9:92,280,766, A>G on the plus strand (T>C on the coding strand, the complement: IARS1 is on the minus strand). VCF-style: chr9-92280766-A-G. GRCh37 (hg19) VCF-style: chr9-95043048-A-G.
Other names: c.725T>C, p.Met242Thr (NM_001374299.1, NM_001374300.1, NM_001374301.1 and 15 more transcripts); c.788T>C, p.Met263Thr (NM_001378569.1); c.602T>C, p.Met201Thr (NM_001378583.1); short protein forms M263T, M201T, M242T.
Identifiers: ClinVar variation 2103617 (VCV002103617.4), dbSNP rs2490950505, ClinGen allele CA373805962.